The following is an entry in ClinVar:

ClinVar aggregate classification (germline): Uncertain significance (1 of 4 stars; one submission).

Conditions:
Hereditary cancer-predisposing syndrome. Also called: Tumor predisposition; Hereditary neoplastic syndrome; Hereditary Cancer Syndrome; Neoplastic Syndromes, Hereditary. Identifiers: Orphanet 140162, MedGen C0027672, MeSH D009386, MONDO:0015356.

Submission:

Ambry Genetics
Classification: Uncertain significance for Hereditary cancer-predisposing syndrome. Last evaluated: 2025-05-31. Review status: criteria provided, single submitter. Criteria: Ambry Variant Classification Scheme 2023. Collection method: clinical testing. Allele origin: germline.
Comment: The p.V1320A variant (also known as c.3959T>C), located in coding exon 32 of the TSC2 gene, results from a T to C substitution at nucleotide position 3959. The valine at codon 1320 is replaced by alanine, an amino acid with similar properties. This amino acid position is conserved. In addition, the in silico prediction for this alteration is inconclusive. Based on the available evidence, the clinical significance of this variant remains unclear.

NM_000548.5(TSC2):c.3959T>C (p.Val1320Ala)

Gene: TSC2 (TSC complex subunit 2; plus strand). Cytogenetic location: 16p13.3.
Variant type: single nucleotide variant.
Coding change: c.3959T>C on transcript NM_000548.5 (MANE Select); coding-DNA position 3959, T replaced by C.
Protein change: p.Val1320Ala; replaces valine 1320 with alanine.
Molecular consequence: missense variant. On other transcripts: non-coding transcript variant (5).
Genome position (GRCh38, 1-based): chr16:2,083,770, T>C. VCF-style: chr16-2083770-T-C. GRCh37 (hg19) VCF-style: chr16-2133771-T-C.
Other names: c.3740T>C, p.Val1247Ala (NM_001406676.1); c.3701T>C, p.Val1234Ala (NM_001406677.1); c.3647T>C, p.Val1216Ala (NM_001406678.1); c.3611T>C, p.Val1204Ala (NM_001406679.1); c.3359T>C, p.Val1120Ala (NM_001406680.1); c.3299T>C, p.Val1100Ala (NM_001406681.1); c.3290T>C, p.Val1097Ala (NM_001406682.1, NM_001406683.1); c.3287T>C, p.Val1096Ala (NM_001406684.1); and 26 more; short protein forms V1054A, V1097A, V1234A, V1248A, V1250A, V1253A, V1264A, V1284A.
Identifiers: ClinVar variation 3974698 (VCV003974698.1).